The following is an entry in ClinVar:

ClinVar aggregate classification (germline): Pathogenic (1 of 4 stars; one submission).

Conditions:
Hepatic veno-occlusive disease-immunodeficiency syndrome. Also called: Hepatic Veno-Occlusive Disease with Immunodeficiency. Identifiers: Orphanet 79124, MedGen C1856128, MONDO:0009338, OMIM 235550. Disease mechanism: loss of function.

Submission:

Labcorp Genetics (formerly Invitae), Labcorp
Classification: Pathogenic for Hepatic venoocclusive disease with immunodeficiency. Last evaluated: 2019-12-20. Review status: criteria provided, single submitter. Criteria: Invitae Variant Classification Sherloc (09022015). Collection method: clinical testing. Allele origin: germline.
Comment: This variant is an out-of-frame deletion of the genomic region encompassing exon 14 of the SP110 gene. This is expected to create a premature translational stop signal and result in an absent or disrupted protein product. This variant has not been reported in the literature in individuals with SP110-related conditions. Loss-of-function variants in SP110 are known to be pathogenic (PMID: 16648851, 22621957). For these reasons, this variant has been classified as Pathogenic.

NC_000002.12:g.(?_230176645)_(230177700_?)del

Gene: SP110 (SP110 nuclear body protein; minus strand). Cytogenetic location: 2q37.1.
Variant type: Deletion.
Identifiers: ClinVar variation 832842 (VCV000832842.1).